The following is an entry in ClinVar:

NM_016373.4(WWOX):c.385G>C (p.Val129Leu)

Gene: WWOX (WW domain containing oxidoreductase; plus strand). Cytogenetic location: 16q23.1.
Variant type: single nucleotide variant.
Coding change: c.385G>C on transcript NM_016373.4 (MANE Select); coding-DNA position 385, G replaced by C.
Protein change: p.Val129Leu; replaces valine 129 with leucine.
Molecular consequence: missense variant. On other transcripts: non-coding transcript variant (1).
Genome position (GRCh38, 1-based): chr16:78,115,130, G>C. VCF-style: chr16-78115130-G-C. GRCh37 (hg19) VCF-style: chr16-78149027-G-C.
Other names: c.46G>C, p.Val16Leu (NM_001291997.2); c.385G>C, p.Val129Leu (NM_130791.5); short protein forms V129L, V16L.
Identifiers: ClinVar variation 473023 (VCV000473023.9), dbSNP rs781732002, ClinGen allele CA396842594.
Genomic context (GRCh38, chr16:78,115,130, plus strand): 5'-GGCAGCACCACTGCCATGGAAATTCTCCAGGGCCGGGATTTCACTGGCAAAGTGGTTGTG[G>C]TCACTGGAGCTAATTCAGGAATAGGTAGGCTCTTCACTTAGTTATTTATCTTTGGGACTG-3'
Protein context (NP_057457.1, residues 119-139): GRDFTGKVVV[Val129Leu]TGANSGIGFE

ClinVar aggregate classification (germline): Uncertain significance (1 of 4 stars; one submission).

Conditions:
Autosomal recessive spinocerebellar ataxia 12. Also called: SPINOCEREBELLAR ATAXIA WITH MENTAL RETARDATION AND EPILEPSY. Identifiers: Orphanet 284282, MedGen C3280452, MONDO:0013687, OMIM 614322.
Developmental and epileptic encephalopathy, 1 (DEE1). Also called: X-linked infantile spasms; West's syndrome; Tonic spasms with clustering, arrest of psychomotor development and hypsarrhythmia on EEG; X-Linked Infantile Spasm Syndrome; OHTAHARA SYNDROME, X-LINKED; INFANTILE SPASM SYNDROME, X-LINKED 1. Identifiers: MedGen C3463992, MONDO:0010632, OMIM 308350. Disease mechanism: loss of function.

Allele frequency attached by ClinVar (database versions not stated): gnomAD 0.00001.
gnomAD v4.1: 3 of 1,614,064 alleles (0.00019%); highest among the groups gnomAD compares: Middle Eastern, 0.016%; no homozygotes.

Submission:

Labcorp Genetics (formerly Invitae), Labcorp
Classification: Uncertain significance for Developmental and epileptic encephalopathy, 1; Autosomal recessive spinocerebellar ataxia 12. Last evaluated: 2022-03-19. Review status: criteria provided, single submitter. Criteria: Invitae Variant Classification Sherloc (09022015). Collection method: clinical testing. Allele origin: germline.
Comment: In summary, the available evidence is currently insufficient to determine the role of this variant in disease. Therefore, it has been classified as a Variant of Uncertain Significance. Algorithms developed to predict the effect of missense changes on protein structure and function are either unavailable or do not agree on the potential impact of this missense change (SIFT: "Not Available"; PolyPhen-2: "Possibly Damaging"; Align-GVGD: "Not Available"). ClinVar contains an entry for this variant (Variation ID: 473023). This variant has not been reported in the literature in individuals affected with WWOX-related conditions. This variant is not present in population databases (gnomAD no frequency). This sequence change replaces valine, which is neutral and non-polar, with leucine, which is neutral and non-polar, at codon 129 of the WWOX protein (p.Val129Leu).